The following is an entry in ClinVar:

NM_199355.4(ADAMTS18):c.354G>C (p.Leu118Phe)

Gene: ADAMTS18 (ADAM metallopeptidase with thrombospondin type 1 motif 18; minus strand). Cytogenetic location: 16q23.1.
Variant type: single nucleotide variant.
Coding change: c.354G>C on transcript NM_199355.4 (MANE Select); coding-DNA position 354, G replaced by C.
Protein change: p.Leu118Phe; replaces leucine 118 with phenylalanine.
Molecular consequence: missense variant. On other transcripts: 5 prime UTR variant (1).
Genome position (GRCh38, 1-based): chr16:77,431,436, C>G on the plus strand (G>C on the coding strand, the complement: ADAMTS18 is on the minus strand). VCF-style: chr16-77431436-C-G. GRCh37 (hg19) VCF-style: chr16-77465333-C-G.
Other names: c.-167G>C (NM_001326358.2); c.354G>C (NM_199355.2); short protein forms L118F.
Identifiers: ClinVar variation 1386469 (VCV001386469.5), dbSNP rs755865097, ClinGen allele CA8181701.

ClinVar aggregate classification (germline): Uncertain significance. Review status: criteria provided, multiple submitters, no conflicts (2 of 4 stars). 2 submissions from 2 submitters: Uncertain significance (2). Last evaluated 2025-04-09.

Conditions:
Inborn genetic diseases. Identifiers: MedGen C0950123, MeSH D030342.

Allele frequency attached by ClinVar (database versions not stated): gnomAD 0.00001; gnomAD exomes 0.00001 and 0.00002; ExAC 0.00001; TOPMed 0.00007.
gnomAD v4.1: 7 of 1,614,076 alleles (0.00043%); highest among the groups gnomAD compares: Admixed American, 0.012%; no homozygotes.

Submissions (2):

Ambry Genetics
Classification: Uncertain significance for Inborn genetic diseases. Last evaluated: 2025-04-09. Review status: criteria provided, single submitter. Criteria: Ambry Variant Classification Scheme 2023. Collection method: clinical testing. Allele origin: germline.

Labcorp Genetics (formerly Invitae), Labcorp
Classification: Uncertain significance. Last evaluated: 2021-09-01. Review status: criteria provided, single submitter. Criteria: Invitae Variant Classification Sherloc (09022015). Collection method: clinical testing. Allele origin: germline.
Comment: In summary, the available evidence is currently insufficient to determine the role of this variant in disease. Therefore, it has been classified as a Variant of Uncertain Significance. Algorithms developed to predict the effect of missense changes on protein structure and function output the following: SIFT: "Not Available"; PolyPhen-2: "Benign"; Align-GVGD: "Not Available". The phenylalanine amino acid residue is found in multiple mammalian species, which suggests that this missense change does not adversely affect protein function. This variant has not been reported in the literature in individuals affected with ADAMTS18-related conditions. This variant is present in population databases (rs755865097, ExAC 0.009%). This sequence change replaces leucine with phenylalanine at codon 118 of the ADAMTS18 protein (p.Leu118Phe). The leucine residue is moderately conserved and there is a small physicochemical difference between leucine and phenylalanine.